The following is an entry in ClinVar:

ClinVar aggregate classification (germline): Likely pathogenic (1 of 4 stars; one submission).

Conditions:
Hypobetalipoproteinemia. Identifiers: Orphanet 31154, MedGen C0020597, MONDO:0017774.

Submission:

Laboratory for Molecular Medicine, Mass General Brigham Personalized Medicine
Classification: Likely pathogenic for Hypobetalipoproteinemia. Last evaluated: 2019-01-30. Review status: criteria provided, single submitter. Criteria: ACMG Guidelines, 2015. Collection method: clinical testing. Allele origin: germline. Inheritance: Autosomal dominant inheritance.
Comment: The p.His2967fs variant in APOB has not been previously reported in individuals with hypobetalipoproteinemia or in large population studies, though the ability of these studies to accurately detect indels may be limited. This frameshift variant is predicted to alter the protein’s amino acid sequence beginning at position 2967 and lead to a premature termination codon 11 amino acids downstream. This alteration is then predicted to lead to a truncated or absent protein. Heterozygous loss of function of the APOB gene is associated to familial hypobetalipoproteinemia (Welty 2014, Burnett 2015). In summary, although additional studies are required to fully establish its clinical significance, the p.His2967fs variant is likely pathogenic.

Literature cited by the submitters: PubMed 24751931; PubMed 25335495.

NM_000384.3(APOB):c.8898dup (p.His2967fs)

Gene: APOB (apolipoprotein B; minus strand). Cytogenetic location: 2p24.1.
Variant type: Duplication.
Coding change: c.8898dup on transcript NM_000384.3 (MANE Select); coding-DNA position 8898, one base duplicated (A; older notation c.8898dupA).
Protein change: p.His2967fs; shifts the reading frame from histidine 2967.
Molecular consequence: frameshift variant.
Genome position (GRCh38, 1-based): chr2:21,007,970, T duplicated on the plus strand (A on the coding strand, the reverse complement: APOB is on the minus strand); the first of 3 consecutive T bases (chr2:21,007,970-21,007,972); duplicating any one gives the same sequence. VCF-style (leftmost placement, unchanged base first): chr2-21007969-G-GT. GRCh37 (hg19) VCF-style: chr2-21230841-G-GT.
Other names: short protein forms H2967fs.
Identifiers: ClinVar variation 3076010 (VCV003076010.1), dbSNP rs2465364633, ClinGen allele CA913187899.